The following is an entry in ClinVar:

NM_020975.6(RET):c.981G>A (p.Gln327=)

Gene: RET (ret proto-oncogene; plus strand). Cytogenetic location: 10q11.21.
Variant type: single nucleotide variant.
Coding change: c.981G>A on transcript NM_020975.6 (MANE Select); coding-DNA position 981, G replaced by A.
Protein change: p.Gln327=; no amino-acid change (glutamine 327 retained).
Molecular consequence: synonymous variant. On other transcripts: intron variant (25).
Genome position (GRCh38, 1-based): chr10:43,106,489, G>A. VCF-style: chr10-43106489-G-A. GRCh37 (hg19) VCF-style: chr10-43601937-G-A.
Other names: c.981G>A, p.Gln327= (NM_000323.2, NM_001406743.1, NM_001406744.1 and 6 more transcripts); c.219G>A, p.Gln73= (NM_001355216.2); c.852G>A, p.Gln284= (NM_001406761.1, NM_001406762.1, NM_001406764.1 and 1 more transcripts); c.693G>A, p.Gln231= (NM_001406766.1, NM_001406767.1, NM_001406770.1); c.867+1296G>A (NM_001406772.1, NM_001406769.1); c.626-2542G>A (NM_001406773.1, NM_001406771.1); c.625+3860G>A (NM_001406782.1, NM_001406780.1, NM_001406779.1 and 3 more transcripts); c.738+1296G>A (NM_001406774.1); and 5 more.
Identifiers: ClinVar variation 1146110 (VCV001146110.12), dbSNP rs876658331, ClinGen allele CA469023849.

ClinVar aggregate classification (germline): Benign/Likely benign. Review status: criteria provided, multiple submitters, no conflicts (2 of 4 stars). 3 submissions from 3 submitters: Benign (1); Likely benign (2). Last evaluated 2025-02-25.

Conditions:
Multiple endocrine neoplasia type 2A. Also called: MULTIPLE ENDOCRINE NEOPLASIA, TYPE IIA; PTC SYNDROME; SIPPLE SYNDROME; MEN 2A; MEN-2A syndrome; Pheochromocytoma and amyloid producing medullary thyroid carcinoma. Identifiers: Orphanet 247698, Orphanet 653, MedGen C0025268, MeSH D018813, MONDO:0008234, OMIM 171400.
Hereditary cancer-predisposing syndrome. Also called: Hereditary neoplastic syndrome; Neoplastic Syndromes, Hereditary; Tumor predisposition; Hereditary Cancer Syndrome. Identifiers: Orphanet 140162, MedGen C0027672, MeSH D009386, MONDO:0015356.
Multiple endocrine neoplasia, type 2 (MEN2). Identifiers: Orphanet 653, MedGen C4048306, MONDO:0019003. Disease mechanism: gain of function.

Allele frequency attached by ClinVar (database versions not stated): gnomAD 0.00001.
gnomAD v4.1: 1 of 1,613,650 alleles (0.000062%); highest among the groups gnomAD compares: East Asian, 0.0022%; no homozygotes.

Submissions (3):

Myriad Genetics, Inc.
Classification: Benign for Multiple endocrine neoplasia type 2A. Last evaluated: 2025-02-25. Review status: criteria provided, single submitter. Criteria: Myriad Autosomal Dominant, Autosomal Recessive and X-Linked Classification Criteria (2023). Collection method: clinical testing. Allele origin: unknown.
Comment: This variant is considered benign. This variant is a silent/synonymous amino acid change and it is not expected to impact splicing.

Ambry Genetics
Classification: Likely benign for Hereditary cancer-predisposing syndrome. Last evaluated: 2022-12-13. Review status: criteria provided, single submitter. Criteria: Ambry Variant Classification Scheme 2023. Collection method: clinical testing. Allele origin: germline.

Labcorp Genetics (formerly Invitae), Labcorp
Classification: Likely benign for Multiple endocrine neoplasia, type 2. Last evaluated: 2019-01-30. Review status: criteria provided, single submitter. Criteria: Invitae Variant Classification Sherloc (09022015). Collection method: clinical testing. Allele origin: germline.